The following is an entry in ClinVar:

NM_006302.3(MOGS):c.2123G>A (p.Arg708His)

Gene: MOGS (mannosyl-oligosaccharide glucosidase; minus strand). Cytogenetic location: 2p13.1.
Variant type: single nucleotide variant.
Coding change: c.2123G>A on transcript NM_006302.3 (MANE Select); coding-DNA position 2123, G replaced by A.
Protein change: p.Arg708His; replaces arginine 708 with histidine.
Molecular consequence: missense variant.
Genome position (GRCh38, 1-based): chr2:74,461,666, C>T on the plus strand (G>A on the coding strand, the complement: MOGS is on the minus strand). VCF-style: chr2-74461666-C-T. GRCh37 (hg19) VCF-style: chr2-74688793-C-T.
Other names: c.1805G>A, p.Arg602His (NM_001146158.2); c.2123G>A, p.Arg708His (LRG_1226t1); short protein forms R708H, R602H.
Identifiers: ClinVar variation 534240 (VCV000534240.20), dbSNP rs181059661, ClinGen allele CA1724651.

ClinVar aggregate classification (germline): Conflicting classifications of pathogenicity. Review status: criteria provided, conflicting classifications (1 of 4 stars). 5 submissions from 5 submitters: Uncertain significance (4); Likely benign (1). Last evaluated 2026-01-05.

Conditions:
Inborn genetic diseases. Identifiers: MedGen C0950123, MeSH D030342.
MOGS-congenital disorder of glycosylation. Also called: CDG 2B; MOGS-CDG; CDG IIb; GLUCOSIDASE I DEFICIENCY. Identifiers: Orphanet 79330, MedGen C1853736, MONDO:0011629, OMIM 606056.

Allele frequency attached by ClinVar (database versions not stated): gnomAD exomes 0.00007 and 0.00010; ESP Exome Variant Server 0.00008; TOPMed 0.00082; gnomAD 0.00038 and 0.00041; 1000 Genomes Project 0.00060; 1000 Genomes Project 30x 0.00062; ExAC 0.00013.
gnomAD v4.1: 187 of 1,614,146 alleles (0.012%); highest among the groups gnomAD compares: Admixed American, 0.11%; no homozygotes.

Submissions (5):

Labcorp Genetics (formerly Invitae), Labcorp
Classification: Uncertain significance for MOGS-congenital disorder of glycosylation. Last evaluated: 2026-01-05. Review status: criteria provided, single submitter. Criteria: Invitae Variant Classification Sherloc (09022015). Collection method: clinical testing. Allele origin: germline.
Comment: This sequence change replaces arginine, which is basic and polar, with histidine, which is basic and polar, at codon 708 of the MOGS protein (p.Arg708His). This variant is present in population databases (rs181059661, gnomAD 0.02%). This variant has not been reported in the literature in individuals affected with MOGS-related conditions. ClinVar contains an entry for this variant (Variation ID: 534240). Invitae Evidence Modeling of protein sequence and biophysical properties (such as structural, functional, and spatial information, amino acid conservation, physicochemical variation, residue mobility, and thermodynamic stability) indicates that this missense variant is not expected to disrupt MOGS protein function with a negative predictive value of 80%. In summary, the available evidence is currently insufficient to determine the role of this variant in disease. Therefore, it has been classified as a Variant of Uncertain Significance.

Ambry Genetics
Classification: Likely benign for Inborn genetic diseases. Last evaluated: 2025-08-03. Review status: criteria provided, single submitter. Criteria: Ambry Variant Classification Scheme 2023. Collection method: clinical testing. Allele origin: germline.

Blueprint Genetics
Classification: Uncertain significance. Last evaluated: 2024-09-12. Review status: criteria provided, single submitter. Criteria: ACMG Guidelines, 2015. Collection method: clinical testing. Allele origin: germline.

Revvity Omics, Revvity
Classification: Uncertain significance for MOGS-congenital disorder of glycosylation. Last evaluated: 2022-04-18. Review status: criteria provided, single submitter. Criteria: ACMG Guidelines, 2015. Collection method: clinical testing. Allele origin: germline.

ARUP Laboratories, Molecular Genetics and Genomics, ARUP Laboratories
Classification: Uncertain significance for MOGS-congenital disorder of glycosylation. Last evaluated: 2019-06-17. Review status: criteria provided, single submitter. Criteria: ARUP Molecular Germline Variant Investigation Process. Collection method: clinical testing. Allele origin: germline.
Comment: The MOGS c.2123G>A; p.Arg708His variant (rs181059661), to our knowledge, is not reported in the medical literature but is reported in ClinVar (Variation ID: 534240). This variant is found in the general population with an overall allele frequency of 0.01 % (24/ 249432 alleles) in the Genome Aggregation Database. The arginine at codon 708 is moderately conserved, and computational analyses (SIFT, PolyPhen-2) predict that this variant is tolerated. Due to limited information, the clinical significance of the p.Arg708His variant is uncertain at this time.